The following is an entry in ClinVar:

NM_005142.3(CBLIF):c.930T>G (p.Ser310=)

Gene: CBLIF (cobalamin binding intrinsic factor; minus strand). Cytogenetic location: 11q12.1.
Variant type: single nucleotide variant.
Coding change: c.930T>G on transcript NM_005142.3 (MANE Select); coding-DNA position 930, T replaced by G.
Protein change: p.Ser310=; no amino-acid change (serine 310 retained).
Molecular consequence: synonymous variant.
Genome position (GRCh38, 1-based): chr11:59,835,951, A>C on the plus strand (T>G on the coding strand, the complement: CBLIF is on the minus strand). VCF-style: chr11-59835951-A-C. GRCh37 (hg19) VCF-style: chr11-59603424-A-C.
Identifiers: ClinVar variation 3036637 (VCV003036637.2), dbSNP rs1302499666, ClinGen allele CA474664002.
Genomic context (GRCh38, chr11:59,835,951, plus strand): 5'-GTTGAAGAGCAGCTCAACCCCCCTCAGCTGGTTATTTATGGTGTATATGACAGTGATGTT[A>C]GATGCAGAGGTGGGGCCAGGGCCAGGGTTGCTGGGTAGAGTTGGTTGTACCTCATGATCT-3'
Protein context (NP_005133.2, residues 300-320): SNPGPGPTSA[Ser310=]NITVIYTINN

ClinVar aggregate classification (germline): Likely benign (0 of 4 stars; one submission).

Conditions:
CBLIF-related disorder. Also called: CBLIF-related condition.

Allele frequency attached by ClinVar (database versions not stated): TOPMed below 0.00001; gnomAD 0.00001; gnomAD exomes 0.00001.

Submission:

PreventionGenetics, part of Exact Sciences
Classification: Likely benign for CBLIF-related condition. Last evaluated: 2020-06-12. Review status: no assertion criteria provided. Collection method: clinical testing. Allele origin: germline.
Comment: This variant is classified as likely benign based on ACMG/AMP sequence variant interpretation guidelines (Richards et al. 2015 PMID: 25741868, with internal and published modifications).